The following is an entry in ClinVar:

NM_182493.3(MYLK3):c.478-3_478-2insGGTTGTTATTTTTTTTTTTTTTTTTTTTTTTTNNNNNNNNNNCTGACCTCATGATCCACCCGCCTCGGCCTCCCAAAGTGCTGGGACTACAGGCGTGAGCCACCGCGCCCGGCC

Gene: MYLK3 (myosin light chain kinase 3; minus strand). Cytogenetic location: 16q11.2.
Variant type: Microsatellite.
Coding change: c.478-3_478-2insGGTTGTTATTTTTTTTTTTTTTTTTTTTTTTTNNNNNNNNNNCTGACCTCATGATCCACCCGCCTCGGCCTCCCAAAGTGCTGGGACTACAGGCGTGAGCCACCGCGCCCGGCC on transcript NM_182493.3 (MANE Select); 3 bases into the intron before coding-DNA position 478 through the canonical splice acceptor site of the intron before coding-DNA position 478, GGTTGTTATTTTTTTTTTTTTTTTTTTTTTTTNNNNNNNNNNCTGACCTCATGATCCACCCGCCTCGGCCTCCCAAAGTGCTGGGACTACAGGCGTGAGCCACCGCGCCCGGCC inserted.
Molecular consequence: intron variant.
Genome position: GRCh38: chr16:46,740,150-46,740,161. GRCh37 (hg19), VCF-style position (the base before the change): chr16:46,774,061.
Other names: c.-113-3_-113-2insGGTTGTTATTTTTTTTTTTTTTTTTTTTTTTTNNNNNNNNNNCTGACCTCATGATCCACCCGCCTCGGCCTCCCAAAGTGCTGGGACTACAGGCGTGAGCCACCGCGCCCGGCC (NM_001308301.1).
Identifiers: ClinVar variation 3659418 (VCV003659418.2).

ClinVar aggregate classification (germline): Uncertain significance (1 of 4 stars; one submission).

Submission:

Labcorp Genetics (formerly Invitae), Labcorp
Classification: Uncertain significance. Last evaluated: 2024-07-12. Review status: criteria provided, single submitter. Criteria: Invitae Variant Classification Sherloc (09022015). Collection method: clinical testing. Allele origin: germline.
Comment: This sequence change falls in intron 1 of the MYLK3 gene. It does not directly change the encoded amino acid sequence of the MYLK3 protein. It affects a nucleotide within the consensus splice site. This variant is not present in population databases (gnomAD no frequency). This variant has not been reported in the literature in individuals affected with MYLK3-related conditions. Variants that disrupt the consensus splice site are a relatively common cause of aberrant splicing (PMID: 17576681, 9536098). Experimental studies and prediction algorithms are not available or were not evaluated, and the effect of this variant on mRNA splicing is currently unknown. In summary, the available evidence is currently insufficient to determine the role of this variant in disease. Therefore, it has been classified as a Variant of Uncertain Significance.

Literature cited by the submitters: PubMed 17576681; PubMed 9536098.